The following is an entry in ClinVar:

ClinVar aggregate classification (germline): Uncertain significance (1 of 4 stars; one submission).

Conditions:
Retinoblastoma (RB1). Also called: RETINOBLASTOMA, SOMATIC. Identifiers: Orphanet 790, MedGen C0035335, MeSH D012175, MONDO:0008380, OMIM 180200, HP:0009919. Disease mechanism: loss of function. Inheritance: Both sporadic and heritable forms are tested..

Submission:

Labcorp Genetics (formerly Invitae), Labcorp
Classification: Uncertain significance for Retinoblastoma. Last evaluated: 2021-04-24. Review status: criteria provided, single submitter. Criteria: Invitae Variant Classification Sherloc (09022015). Collection method: clinical testing. Allele origin: germline.
Comment: In summary, the available evidence is currently insufficient to determine the role of this variant in disease. Therefore, it has been classified as a Variant of Uncertain Significance. Algorithms developed to predict the effect of sequence changes on RNA splicing suggest that this variant may create or strengthen a splice site, but this prediction has not been confirmed by published transcriptional studies. Algorithms developed to predict the effect of missense changes on protein structure and function are either unavailable or do not agree on the potential impact of this missense change (SIFT: "Deleterious"; PolyPhen-2: "Benign"; Align-GVGD: "Class C0"). This variant has been observed in individual(s) with bilateral retinoblastoma (PMID: 15605413). This variant is not present in population databases (ExAC no frequency). This sequence change replaces asparagine with serine at codon 690 of the RB1 protein (p.Asn690Ser). The asparagine residue is highly conserved and there is a small physicochemical difference between asparagine and serine.

Literature cited by the submitters: PubMed 15605413.

NM_000321.3(RB1):c.2069A>G (p.Asn690Ser)

Gene: RB1 (RB transcriptional corepressor 1; plus strand). Cytogenetic location: 13q14.2.
Variant type: single nucleotide variant.
Coding change: c.2069A>G on transcript NM_000321.3 (MANE Select); coding-DNA position 2069, A replaced by G.
Protein change: p.Asn690Ser; replaces asparagine 690 with serine.
Molecular consequence: missense variant.
Genome position (GRCh38, 1-based): chr13:48,459,796, A>G. VCF-style: chr13-48459796-A-G. GRCh37 (hg19) VCF-style: chr13-49033932-A-G.
Other names: short protein forms N690S.
Identifiers: ClinVar variation 1026035 (VCV001026035.8), dbSNP rs1949384761, ClinGen allele CA388166891.